The following is an entry in ClinVar:

ClinVar aggregate classification (germline): Uncertain significance. Review status: criteria provided, multiple submitters, no conflicts (2 of 4 stars). 2 submissions from 2 submitters: Uncertain significance (2). Last evaluated 2026-05-06.

Allele frequency attached by ClinVar (database versions not stated): ExAC 0.00002; gnomAD exomes below 0.00001.
gnomAD v4.1: 2 of 1,606,624 alleles (0.00012%); highest among the groups gnomAD compares: East Asian, 0.0045%; no homozygotes.

Submissions (2):

Women's Health and Genetics/Laboratory Corporation of America, LabCorp
Classification: Uncertain significance. Last evaluated: 2026-05-06. Review status: criteria provided, single submitter. Criteria: LabCorp Variant Classification Summary - May 2015. Collection method: clinical testing. Allele origin: germline.
Comment: Variant summary: SRCAP c.4156A>C (p.Ser1386Arg) results in a non-conservative amino acid change in the encoded protein sequence. Algorithms developed to predict the effect of missense changes on protein structure and function are either unavailable or do not agree on the potential impact of this missense change. The variant allele was found at a frequency of 1.2e-05 in 245634 control chromosomes. The available data on variant occurrences in the general population are insufficient to allow any conclusion about variant significance. To our knowledge, no occurrence of c.4156A>C in individuals affected with SRCAP-related conditions and no experimental evidence demonstrating its impact on protein function have been reported. ClinVar contains an entry for this variant (Variation ID: 1997641). Based on the evidence outlined above, the variant was classified as uncertain significance.

Labcorp Genetics (formerly Invitae), Labcorp
Classification: Uncertain significance. Last evaluated: 2022-09-02. Review status: criteria provided, single submitter. Criteria: Invitae Variant Classification Sherloc (09022015). Collection method: clinical testing. Allele origin: germline.
Comment: In summary, the available evidence is currently insufficient to determine the role of this variant in disease. Therefore, it has been classified as a Variant of Uncertain Significance. Algorithms developed to predict the effect of missense changes on protein structure and function are either unavailable or do not agree on the potential impact of this missense change (SIFT: "Deleterious"; PolyPhen-2: "Benign"; Align-GVGD: "Class C15"). This variant has not been reported in the literature in individuals affected with SRCAP-related conditions. This variant is present in population databases (rs771783382, gnomAD 0.02%). This sequence change replaces serine, which is neutral and polar, with arginine, which is basic and polar, at codon 1386 of the SRCAP protein (p.Ser1386Arg).

NM_006662.3(SRCAP):c.4156A>C (p.Ser1386Arg)

Gene: SRCAP (Snf2 related CREBBP activator protein; plus strand). Cytogenetic location: 16p11.2.
Variant type: single nucleotide variant.
Coding change: c.4156A>C on transcript NM_006662.3 (MANE Select); coding-DNA position 4156, A replaced by C.
Protein change: p.Ser1386Arg; replaces serine 1386 with arginine.
Molecular consequence: missense variant.
Genome position (GRCh38, 1-based): chr16:30,723,226, A>C. VCF-style: chr16-30723226-A-C. GRCh37 (hg19) VCF-style: chr16-30734547-A-C.
Other names: short protein forms S1386R.
Identifiers: ClinVar variation 1997641 (VCV001997641.5), dbSNP rs771783382, ClinGen allele CA8011676.